The following is an entry in ClinVar:

ClinVar aggregate classification (germline): Benign (0 of 4 stars; one submission).

Conditions:
UNC5C-related disorder. Also called: UNC5C-related condition.

Allele frequency attached by ClinVar (database versions not stated): 1000 Genomes Project 0.00060; 1000 Genomes Project 30x 0.00062; ExAC 0.00107; gnomAD 0.00151; TOPMed 0.00152; ESP Exome Variant Server 0.00154; gnomAD exomes 0.00214.
gnomAD v4.1: 3,363 of 1,614,108 alleles (0.21%); highest among the groups gnomAD compares: Non-Finnish European, 0.25%; 8 homozygotes.

Submission:

PreventionGenetics, part of Exact Sciences
Classification: Benign for UNC5C-related condition. Last evaluated: 2019-08-13. Review status: no assertion criteria provided. Collection method: clinical testing. Allele origin: germline.
Comment: This variant is classified as benign based on ACMG/AMP sequence variant interpretation guidelines (Richards et al. 2015 PMID: 25741868, with internal and published modifications).

NM_003728.4(UNC5C):c.1883C>A (p.Ala628Glu)

Gene: UNC5C (unc-5 netrin receptor C; minus strand). Cytogenetic location: 4q22.3.
Variant type: single nucleotide variant.
Coding change: c.1883C>A on transcript NM_003728.4 (MANE Select); coding-DNA position 1883, C replaced by A.
Protein change: p.Ala628Glu; replaces alanine 628 with glutamic acid.
Molecular consequence: missense variant.
Genome position (GRCh38, 1-based): chr4:95,206,647, G>T on the plus strand (C>A on the coding strand, the complement: UNC5C is on the minus strand). VCF-style: chr4-95206647-G-T. GRCh37 (hg19) VCF-style: chr4-96127798-G-T.
Other names: short protein forms A628E.
Identifiers: ClinVar variation 3042011 (VCV003042011.2), dbSNP rs141976218, ClinGen allele CA3015561.
Genomic context (GRCh38, chr4:95,206,647, plus strand): 5'-GATTATTCTTGCATAGCATCTTTATCCCGACAGCAGCTCACCTCCCACTGTCCCTGTGCT[G>T]CCTGGTTCTTGAGCAGTATTTTCCAGTCCTCGGTATTGGGGTCTGCGCAGTGATGCATAG-3'
Protein context (NP_003719.3, residues 618-638): EDWKILLKNQ[Ala628Glu]AQGQWEDVVV